The following is an entry in ClinVar:

ClinVar aggregate classification (germline): Conflicting classifications of pathogenicity. Review status: criteria provided, conflicting classifications (1 of 4 stars). 5 submissions from 5 submitters: Likely pathogenic (4); Uncertain significance (1). Last evaluated 2026-01-18.

Conditions:
SLC26A4-related disorder. Also called: SLC26A4-related disorders; SLC26A4-related condition.
Pendred syndrome (PDS). Also called: DEAFNESS WITH GOITER; GOITER-DEAFNESS SYNDROME; Pendred's syndrome; THYROID DYSHORMONOGENESIS 2B; THYROID HORMONOGENESIS, GENETIC DEFECT IN, 2B; Pendred Syndrome (PDS). Identifiers: Orphanet 705, MedGen C0271829, MONDO:0010134, OMIM 274600.

Allele frequency attached by ClinVar (database versions not stated): ExAC 0.00002; gnomAD exomes 0.00003 and 0.00024; TOPMed 0.00003; gnomAD 0.00005 and 0.00006.

Submissions (5):

Labcorp Genetics (formerly Invitae), Labcorp
Classification: Likely pathogenic. Last evaluated: 2026-01-18. Review status: criteria provided, single submitter. Criteria: Invitae Variant Classification Sherloc (09022015). Collection method: clinical testing. Allele origin: germline.
Comment: This sequence change replaces phenylalanine, which is neutral and non-polar, with serine, which is neutral and polar, at codon 718 of the SLC26A4 protein (p.Phe718Ser). This variant is present in population databases (rs750834241, gnomAD 0.006%). This missense change has been observed in individual(s) with autosomal recessive deafness (PMID: 21366435, 23965030, 27068579; internal data). ClinVar contains an entry for this variant (Variation ID: 381687). Invitae Evidence Modeling of protein sequence and biophysical properties (such as structural, functional, and spatial information, amino acid conservation, physicochemical variation, residue mobility, and thermodynamic stability) has been performed for this missense variant. However, the output from this modeling did not meet the statistical confidence thresholds required to predict the impact of this variant on SLC26A4 protein function. In summary, the currently available evidence indicates that the variant is pathogenic, but additional data are needed to prove that conclusively. Therefore, this variant has been classified as Likely Pathogenic.

Women's Health and Genetics/Laboratory Corporation of America, LabCorp
Classification: Likely pathogenic for Pendred syndrome. Last evaluated: 2025-05-30. Review status: criteria provided, single submitter. Criteria: LabCorp Variant Classification Summary - May 2015. Collection method: clinical testing. Allele origin: germline.
Comment: Variant summary: SLC26A4 c.2153T>C (p.Phe718Ser) results in a non-conservative amino acid change located in the STAS domain (IPR002645) of the encoded protein sequence. Algorithms developed to predict the effect of missense changes on protein structure and function all suggest that this variant is likely to be disruptive. The variant allele was found at a frequency of 3.2e-05 in 251316 control chromosomes. c.2153T>C has been observed in individual(s) affected with features of Pendred Syndrome (Sommen_2016, internal data). These data indicate that the variant is likely to be associated with disease. To our knowledge, no experimental evidence demonstrating an impact on protein function has been reported. The following publications have been ascertained in the context of this evaluation (PMID: 23965030, 21366435, 27068579). ClinVar contains an entry for this variant (Variation ID: 381687). Based on the evidence outlined above, the variant was classified as likely pathogenic.

GeneDx
Classification: Likely pathogenic. Last evaluated: 2025-03-07. Review status: criteria provided, single submitter. Criteria: GeneDx Variant Classification Process June 2021. Collection method: clinical testing. Allele origin: germline. Affected: yes.
Comment: Identified as heterozygous in individuals with bilateral hearing loss and bilateral enlarged vestibular aqueduct but without a second identified SLC26A4 variant (PMID: 21366435, 23965030); Not observed at significant frequency in large population cohorts (gnomAD); In silico analysis supports that this missense variant has a deleterious effect on protein structure/function; This variant is associated with the following publications: (PMID: 21366435, 27068579, 23965030)

Blueprint Genetics
Classification: Likely pathogenic for SLC26A4-related disorders. Last evaluated: 2024-03-06. Review status: criteria provided, single submitter. Criteria: ACMG Guidelines, 2015. Collection method: clinical testing. Allele origin: germline. Affected: yes. Observed: 4 variant alleles.

Myriad Genetics, Inc.
Classification: Uncertain significance for Pendred syndrome. Last evaluated: 2021-10-01. Review status: criteria provided, single submitter. Criteria: Myriad Women's Health Autosomal Recessive and X-Linked Classification Criteria (2021). Collection method: clinical testing. Allele origin: unknown.
Comment: NM_000441.1(SLC26A4):c.2153T>C(F718S) is a missense variant classified as a variant of uncertain significance in the context of Pendred syndrome. F718S has been observed in cases with relevant disease (PMID: 27068579, 23965030, 21366435). Functional assessments of this variant are not available in the literature. F718S has been observed in population frequency databases (gnomAD: NFE 0.01%). In summary, there is insufficient evidence to classify NM_000441.1(SLC26A4):c.2153T>C(F718S) as pathogenic or benign. Please note: this variant was assessed in the context of healthy population screening.

Literature cited by the submitters: PubMed 21366435 (cited by 3 submitters); PubMed 23965030 (cited by 3 submitters); PubMed 27068579 (cited by 3 submitters).

NM_000441.2(SLC26A4):c.2153T>C (p.Phe718Ser)

Genes: SLC26A4 (solute carrier family 26 member 4; plus strand), LOC123956210 (Sharpr-MPRA regulatory region 3291; plus strand). Cytogenetic location: 7q22.3.
Variant type: single nucleotide variant.
Coding change: c.2153T>C on transcript NM_000441.2 (MANE Select); coding-DNA position 2153, T replaced by C.
Protein change: p.Phe718Ser; replaces phenylalanine 718 with serine.
Molecular consequence: missense variant.
Genome position (GRCh38, 1-based): chr7:107,710,117, T>C. VCF-style: chr7-107710117-T-C. GRCh37 (hg19) VCF-style: chr7-107350562-T-C.
Other names: short protein forms F718S.
Identifiers: ClinVar variation 381687 (VCV000381687.15), dbSNP rs750834241, ClinGen allele CA4433060.